The following is an entry in ClinVar:

NM_014264.5(PLK4):c.1592C>T (p.Ser531Phe)

Gene: PLK4 (polo like kinase 4; plus strand). Cytogenetic location: 4q28.1.
Variant type: single nucleotide variant.
Coding change: c.1592C>T on transcript NM_014264.5 (MANE Select); coding-DNA position 1592, C replaced by T.
Protein change: p.Ser531Phe; replaces serine 531 with phenylalanine.
Molecular consequence: missense variant.
Genome position (GRCh38, 1-based): chr4:127,889,998, C>T. VCF-style: chr4-127889998-C-T. GRCh37 (hg19) VCF-style: chr4-128811153-C-T.
Other names: c.1496C>T, p.Ser499Phe (NM_001190799.2); c.1469C>T, p.Ser490Phe (NM_001190801.2); short protein forms S490F, S499F, S531F.
Identifiers: ClinVar variation 1420104 (VCV001420104.7), dbSNP rs199766041, ClinGen allele CA3076813.

ClinVar aggregate classification (germline): Uncertain significance. Review status: criteria provided, multiple submitters, no conflicts (2 of 4 stars). 2 submissions from 2 submitters: Uncertain significance (2). Last evaluated 2024-05-27.

Allele frequency attached by ClinVar (database versions not stated): TOPMed 0.00003; gnomAD exomes 0.00006 and 0.00014; gnomAD 0.00008 and 0.00009; ExAC 0.00019.
gnomAD v4.1: 124 of 1,613,932 alleles (0.0077%); highest among the groups gnomAD compares: Non-Finnish European, 0.0056%; no homozygotes.

Submissions (2):

Blueprint Genetics
Classification: Uncertain significance. Last evaluated: 2024-05-27. Review status: criteria provided, single submitter. Criteria: ACMG Guidelines, 2015. Collection method: clinical testing. Allele origin: germline.

Labcorp Genetics (formerly Invitae), Labcorp
Classification: Uncertain significance. Last evaluated: 2021-07-21. Review status: criteria provided, single submitter. Criteria: Invitae Variant Classification Sherloc (09022015). Collection method: clinical testing. Allele origin: germline.
Comment: This variant is present in population databases (rs199766041, ExAC 0.08%). In summary, the available evidence is currently insufficient to determine the role of this variant in disease. Therefore, it has been classified as a Variant of Uncertain Significance. Algorithms developed to predict the effect of missense changes on protein structure and function are either unavailable or do not agree on the potential impact of this missense change (SIFT: "Deleterious"; PolyPhen-2: "Possibly Damaging"; Align-GVGD: "Class C0"). This variant has not been reported in the literature in individuals affected with PLK4-related conditions. This sequence change replaces serine with phenylalanine at codon 531 of the PLK4 protein (p.Ser531Phe). The serine residue is moderately conserved and there is a large physicochemical difference between serine and phenylalanine.